The following is an entry in ClinVar:

ClinVar aggregate classification (germline): Uncertain significance (1 of 4 stars; one submission).

gnomAD v4.1: 5 of 1,608,262 alleles (0.00031%); highest among the groups gnomAD compares: Middle Eastern, 0.017%; no homozygotes.

Submission:

Labcorp Genetics (formerly Invitae), Labcorp
Classification: Uncertain significance. Last evaluated: 2024-12-30. Review status: criteria provided, single submitter. Criteria: Invitae Variant Classification Sherloc (09022015). Collection method: clinical testing. Allele origin: germline.
Comment: This sequence change replaces valine, which is neutral and non-polar, with glycine, which is neutral and non-polar, at codon 17 of the FZD4 protein (p.Val17Gly). This variant is not present in population databases (gnomAD no frequency). This variant has not been reported in the literature in individuals affected with FZD4-related conditions. Invitae Evidence Modeling of protein sequence and biophysical properties (such as structural, functional, and spatial information, amino acid conservation, physicochemical variation, residue mobility, and thermodynamic stability) indicates that this missense variant is not expected to disrupt FZD4 protein function with a negative predictive value of 80%. In summary, the available evidence is currently insufficient to determine the role of this variant in disease. Therefore, it has been classified as a Variant of Uncertain Significance.

NM_012193.4(FZD4):c.50T>G (p.Val17Gly)

Gene: FZD4 (frizzled class receptor 4; minus strand). Cytogenetic location: 11q14.2.
Variant type: single nucleotide variant.
Coding change: c.50T>G on transcript NM_012193.4 (MANE Select); coding-DNA position 50, T replaced by G.
Protein change: p.Val17Gly; replaces valine 17 with glycine.
Molecular consequence: missense variant.
Genome position (GRCh38, 1-based): chr11:86,955,036, A>C on the plus strand (T>G on the coding strand, the complement: FZD4 is on the minus strand). VCF-style: chr11-86955036-A-C. GRCh37 (hg19) VCF-style: chr11-86666078-A-C.
Other names: short protein forms V17G.
Identifiers: ClinVar variation 3684272 (VCV003684272.2).